The following is an entry in ClinVar:

ClinVar aggregate classification (germline): Benign/Likely benign. Review status: criteria provided, multiple submitters, no conflicts (2 of 4 stars). 5 submissions from 5 submitters: Benign (1); Likely benign (4). Last evaluated 2026-08-03.

Conditions:
Familial colorectal cancer type X. Identifiers: Orphanet 440437, MedGen C3896578, MONDO:0018604.

Allele frequency attached by ClinVar (database versions not stated): ExAC 0.00004; gnomAD 0.00006 and 0.00005; gnomAD exomes 0.00005 and 0.00006; TOPMed 0.00005; ESP Exome Variant Server 0.00015.
gnomAD v4.1: 78 of 1,613,820 alleles (0.0048%); highest among the groups gnomAD compares: Non-Finnish European, 0.0063%; no homozygotes.

Submissions (5):

Myriad Genetics, Inc.
Classification: Benign for Familial colorectal cancer type X. Last evaluated: 2026-08-03. Review status: criteria provided, single submitter. Criteria: Myriad Autosomal Dominant, Autosomal Recessive and X-Linked Classification Criteria (2023). Collection method: clinical testing. Allele origin: unknown.
Comment: This variant is considered benign. This variant is a silent/synonymous amino acid change and it is not expected to impact splicing.

Labcorp Genetics (formerly Invitae), Labcorp
Classification: Likely benign. Last evaluated: 2025-11-04. Review status: criteria provided, single submitter. Criteria: Invitae Variant Classification Sherloc (09022015). Collection method: clinical testing. Allele origin: germline.

Center for Genomic Medicine, Rigshospitalet, Copenhagen University Hospital
Classification: Likely benign. Last evaluated: 2025-03-04. Review status: criteria provided, single submitter. Criteria: ACMG Guidelines, 2015. Collection method: clinical testing. Allele origin: germline.

CeGaT Center for Human Genetics Tuebingen
Classification: Likely benign. Last evaluated: 2025-03-01. Review status: criteria provided, single submitter. Criteria: CeGaT Center For Human Genetics Tuebingen Variant Classification Criteria Version 2. Collection method: clinical testing. Allele origin: germline. Affected: yes. Observed: 4 variant alleles.
Comment: RPS20: BP4, BP7

Ambry Genetics
Classification: Likely benign. Last evaluated: 2022-02-27. Review status: criteria provided, single submitter. Criteria: Ambry Variant Classification Scheme 2023. Collection method: clinical testing. Allele origin: germline.

NM_001023.4(RPS20):c.87A>G (p.Val29=)

Gene: RPS20 (ribosomal protein S20; minus strand). Cytogenetic location: 8q12.1.
Variant type: single nucleotide variant.
Coding change: c.87A>G on transcript NM_001023.4 (MANE Select); coding-DNA position 87, A replaced by G.
Protein change: p.Val29=; no amino-acid change (valine 29 retained).
Molecular consequence: synonymous variant.
Genome position (GRCh38, 1-based): chr8:56,074,076, T>C on the plus strand (A>G on the coding strand, the complement: RPS20 is on the minus strand). VCF-style: chr8-56074076-T-C. GRCh37 (hg19) VCF-style: chr8-56986635-T-C.
Other names: c.87A>G, p.Val29= (NM_001146227.3).
Identifiers: ClinVar variation 719393 (VCV000719393.38), dbSNP rs138869126, ClinGen allele CA4754452.